The following is an entry in ClinVar:

NM_017999.5(RNF31):c.2197G>A (p.Ala733Thr)

Gene: RNF31 (ring finger protein 31; plus strand). Cytogenetic location: 14q12.
Variant type: single nucleotide variant.
Coding change: c.2197G>A on transcript NM_017999.5 (MANE Select); coding-DNA position 2197, G replaced by A.
Protein change: p.Ala733Thr; replaces alanine 733 with threonine.
Molecular consequence: missense variant.
Genome position (GRCh38, 1-based): chr14:24,155,223, G>A. VCF-style: chr14-24155223-G-A. GRCh37 (hg19) VCF-style: chr14-24624432-G-A.
Other names: c.1744G>A, p.Ala582Thr (NM_001310332.2); short protein forms A582T, A733T.
Identifiers: ClinVar variation 4776942 (VCV004776942.1).

ClinVar aggregate classification (germline): Uncertain significance (1 of 4 stars; one submission).

gnomAD v4.1: 5 of 1,614,036 alleles (0.00031%); highest among the groups gnomAD compares: East Asian, 0.0022%; no homozygotes.

Submission:

Labcorp Genetics (formerly Invitae), Labcorp
Classification: Uncertain significance. Last evaluated: 2025-03-21. Review status: criteria provided, single submitter. Criteria: Invitae Variant Classification Sherloc (09022015). Collection method: clinical testing. Allele origin: germline.
Comment: This sequence change replaces alanine, which is neutral and non-polar, with threonine, which is neutral and polar, at codon 733 of the RNF31 protein (p.Ala733Thr). This variant is present in population databases (rs757320698, gnomAD 0.006%). This variant has not been reported in the literature in individuals affected with RNF31-related conditions. An algorithm developed to predict the effect of missense changes on protein structure and function (PolyPhen-2) suggests that this variant is likely to be tolerated. In summary, the available evidence is currently insufficient to determine the role of this variant in disease. Therefore, it has been classified as a Variant of Uncertain Significance.